The following is an entry in ClinVar:

ClinVar aggregate classification (germline): Pathogenic. Review status: criteria provided, multiple submitters, no conflicts (2 of 4 stars). 2 submissions from 2 submitters: Pathogenic (2). Last evaluated 2024-02-27.

Conditions:
LAMA2-related muscular dystrophy (LAMA2-RD). Also called: Laminin alpha 2-related dystrophy. Identifiers: MedGen C5679788, MONDO:0100228.
Merosin deficient congenital muscular dystrophy (MDC1A). Also called: Congenital merosin-deficient muscular dystrophy 1A; Congenital Muscular Dystrophy Type 1A (MDC1A). Identifiers: Orphanet 258, MedGen C1263858, MONDO:0011925, OMIM 607855.

Submissions (2):

3billion
Classification: Pathogenic for Merosin deficient congenital muscular dystrophy. Last evaluated: 2024-02-27. Review status: criteria provided, single submitter. Criteria: ACMG Guidelines, 2015. Collection method: clinical testing. Allele origin: germline. Affected: yes.
Comment: The variant is not observed in the gnomAD v2.1.1 dataset. Predicted Consequence/Location: Frameshift: predicted to result in a loss or disruption of normal protein function through nonsense-mediated decay (NMD) or protein truncation. Multiple pathogenic variants are reported downstream of the variant. The variant has been reported to be associated with LAMA2-related disorder (ClinVar ID: VCV001454048). Therefore, this variant is classified as Pathogenic according to the recommendation of ACMG/AMP guideline.

Labcorp Genetics (formerly Invitae), Labcorp
Classification: Pathogenic for LAMA2-related muscular dystrophy. Last evaluated: 2020-11-27. Review status: criteria provided, single submitter. Criteria: Invitae Variant Classification Sherloc (09022015). Collection method: clinical testing. Allele origin: germline.
Comment: This sequence change creates a premature translational stop signal (p.Asp2011Ilefs*3) in the LAMA2 gene. It is expected to result in an absent or disrupted protein product. Loss-of-function variants in LAMA2 are known to be pathogenic (PMID: 18700894). This variant is not present in population databases (ExAC no frequency). This variant has not been reported in the literature in individuals with LAMA2-related conditions. For these reasons, this variant has been classified as Pathogenic.

Literature cited by the submitters: PubMed 18700894 (cited by Labcorp Genetics (formerly Invitae), Labcorp).

NM_000426.4(LAMA2):c.6031del (p.Asp2011fs)

Gene: LAMA2 (laminin subunit alpha 2; plus strand). Cytogenetic location: 6q22.33.
Variant type: Deletion.
Coding change: c.6031del on transcript NM_000426.4 (MANE Select); coding-DNA position 6031, one base deleted (G; older notation c.6031delG).
Protein change: p.Asp2011fs; shifts the reading frame from aspartic acid 2011.
Molecular consequence: frameshift variant.
Genome position (GRCh38, 1-based): chr6:129,438,708, G deleted; the last of 4 consecutive G bases (chr6:129,438,705-129,438,708); deleting any one gives the same sequence. VCF-style (leftmost placement, unchanged base first): chr6-129438704-TG-T. GRCh37 (hg19) VCF-style: chr6-129759849-TG-T.
Other names: c.6031del, p.Asp2011fs (NM_001079823.2); short protein forms D2011fs.
Identifiers: ClinVar variation 1454048 (VCV001454048.7), dbSNP rs2114761115, ClinGen allele CA2573140473.